The following is an entry in ClinVar:

ClinVar aggregate classification (germline): Pathogenic (1 of 4 stars; one submission).

Conditions:
Symmetrical dyschromatosis of extremities (DSH). Also called: RETICULATE ACROPIGMENTATION OF DOHI; SYMMETRIC DYSCHROMATOSIS OF THE EXTREMITIES; DYSCHROMATOSIS SYMMETRICA HEREDITARIA 1; Dyschromatosis symmetrica hereditaria. Identifiers: Orphanet 41, MedGen C0406775, MONDO:0007483, OMIM 127400.
Aicardi-Goutieres syndrome 6 (AGS6). Identifiers: Orphanet 51, MedGen C3539013, MONDO:0014007, OMIM 615010.

Submission:

Labcorp Genetics (formerly Invitae), Labcorp
Classification: Pathogenic for Aicardi-Goutieres syndrome 6; Symmetrical dyschromatosis of extremities. Last evaluated: 2023-05-15. Review status: criteria provided, single submitter. Criteria: Invitae Variant Classification Sherloc (09022015). Collection method: clinical testing. Allele origin: germline.
Comment: For these reasons, this variant has been classified as Pathogenic. This premature translational stop signal has been observed in individual(s) with dyschromatosis symmetrica hereditaria (PMID: 22336994). This variant is not present in population databases (gnomAD no frequency). This sequence change creates a premature translational stop signal (p.Ser491*) in the ADAR gene. It is expected to result in an absent or disrupted protein product. Loss-of-function variants in ADAR are known to be pathogenic (PMID: 22974014).

Literature cited by the submitters: PubMed 22336994; PubMed 22974014.

NM_001111.5(ADAR):c.1472C>G (p.Ser491Ter)

Gene: ADAR (adenosine deaminase RNA specific; minus strand). Cytogenetic location: 1q21.3.
Variant type: single nucleotide variant.
Coding change: c.1472C>G on transcript NM_001111.5 (MANE Select); coding-DNA position 1472, C replaced by G.
Protein change: p.Ser491Ter; replaces serine 491 with a stop codon.
Molecular consequence: nonsense.
Genome position (GRCh38, 1-based): chr1:154,601,170, G>C on the plus strand (C>G on the coding strand, the complement: ADAR is on the minus strand). VCF-style: chr1-154601170-G-C. GRCh37 (hg19) VCF-style: chr1-154573646-G-C.
Other names: c.1472C>G, p.Ser491Ter (NM_015841.4, NM_015840.4); c.587C>G, p.Ser196Ter (NM_001025107.3, NM_001193495.2, NM_001365046.1 and 3 more transcripts); c.1499C>G, p.Ser500Ter (NM_001365045.1); short protein forms S196*, S500*, S491*.
Identifiers: ClinVar variation 2925298 (VCV002925298.3), dbSNP rs2526646702, ClinGen allele CA342596204.